The following is an entry in ClinVar:

NM_020975.6(RET):c.2599G>A (p.Glu867Lys)

Gene: RET (ret proto-oncogene; plus strand). Cytogenetic location: 10q11.21.
Variant type: single nucleotide variant.
Coding change: c.2599G>A on transcript NM_020975.6 (MANE Select); coding-DNA position 2599, G replaced by A.
Protein change: p.Glu867Lys; replaces glutamic acid 867 with lysine.
Molecular consequence: missense variant.
Genome position (GRCh38, 1-based): chr10:43,119,737, G>A. VCF-style: chr10-43119737-G-A. GRCh37 (hg19) VCF-style: chr10-43615185-G-A.
Other names: c.2311G>A, p.Glu771Lys (NM_001406767.1, NM_001406770.1, NM_001406766.1); c.2335G>A, p.Glu779Lys (NM_001406768.1); c.2203G>A, p.Glu735Lys (NM_001406769.1, NM_001406772.1); c.2161G>A, p.Glu721Lys (NM_001406771.1, NM_001406773.1); c.2074G>A, p.Glu692Lys (NM_001406774.1); c.1873G>A, p.Glu625Lys (NM_001406775.1, NM_001406776.1, NM_001406777.1 and 1 more transcripts); c.1702G>A, p.Glu568Lys (NM_001406779.1, NM_001406780.1, NM_001406781.1 and 1 more transcripts); c.1573G>A, p.Glu525Lys (NM_001406783.1, NM_001406786.1); and 10 more; short protein forms E867K, E613K, E771K, E432K, E525K, E568K, E625K, E779K.
Identifiers: ClinVar variation 574781 (VCV000574781.15), dbSNP rs758950128, ClinGen allele CA039836.

ClinVar aggregate classification (germline): Uncertain significance. Review status: criteria provided, multiple submitters, no conflicts (2 of 4 stars). 3 submissions from 3 submitters: Uncertain significance (3). Last evaluated 2024-02-15.

Conditions:
Hereditary cancer-predisposing syndrome. Also called: Neoplastic Syndromes, Hereditary; Hereditary Cancer Syndrome; Tumor predisposition; Hereditary neoplastic syndrome. Identifiers: Orphanet 140162, MedGen C0027672, MeSH D009386, MONDO:0015356.
Multiple endocrine neoplasia, type 2 (MEN2). Identifiers: Orphanet 653, MedGen C4048306, MONDO:0019003. Disease mechanism: gain of function.

Allele frequency attached by ClinVar (database versions not stated): gnomAD exomes below 0.00001; ExAC 0.00001.
gnomAD v4.1: 2 of 1,613,166 alleles (0.00012%); highest among the groups gnomAD compares: Non-Finnish European, 0.00017%; no homozygotes.

Submissions (3):

Labcorp Genetics (formerly Invitae), Labcorp
Classification: Uncertain significance for Multiple endocrine neoplasia, type 2. Last evaluated: 2024-02-15. Review status: criteria provided, single submitter. Criteria: Invitae Variant Classification Sherloc (09022015). Collection method: clinical testing. Allele origin: germline.
Comment: This sequence change replaces glutamic acid, which is acidic and polar, with lysine, which is basic and polar, at codon 867 of the RET protein (p.Glu867Lys). This variant is not present in population databases (gnomAD no frequency). This variant has not been reported in the literature in individuals affected with RET-related conditions. ClinVar contains an entry for this variant (Variation ID: 574781). An algorithm developed to predict the effect of missense changes on protein structure and function (PolyPhen-2) suggests that this variant is likely to be disruptive. In summary, the available evidence is currently insufficient to determine the role of this variant in disease. Therefore, it has been classified as a Variant of Uncertain Significance.

All of Us Research Program, National Institutes of Health
Classification: Uncertain significance for Multiple endocrine neoplasia, type 2. Last evaluated: 2023-07-10. Review status: criteria provided, single submitter. Criteria: ACMG Guidelines, 2015. Collection method: clinical testing. Allele origin: germline. Inheritance: Autosomal dominant inheritance. Observed: 1 variant allele, 1 heterozygote.
Comment: This missense variant replaces glutamic acid with lysine at codon 867 of the RET protein. Computational prediction is inconclusive regarding the impact of this variant on protein structure and function (internally defined REVEL score threshold 0.5 < inconclusive < 0.7, PMID: 27666373). To our knowledge, functional studies have not been reported for this variant. This variant has not been reported in individuals affected with hereditary cancer in the literature. This variant has not been identified in the general population by the Genome Aggregation Database (gnomAD). The available evidence is insufficient to determine the role of this variant in disease conclusively. Therefore, this variant is classified as a Variant of Uncertain Significance.

This study involves interpretation of variants in research participants for the purpose of population health screening. Participant phenotype was not available at the time of variant classification. Additional details can be found in publication PMID: 35346344, PMCID: PMC8962531

Ambry Genetics
Classification: Uncertain significance for Hereditary cancer-predisposing syndrome. Last evaluated: 2022-08-13. Review status: criteria provided, single submitter. Criteria: Ambry Variant Classification Scheme 2023. Collection method: clinical testing. Allele origin: germline.
Comment: The p.E867K variant (also known as c.2599G>A), located in coding exon 14 of the RET gene, results from a G to A substitution at nucleotide position 2599. The glutamic acid at codon 867 is replaced by lysine, an amino acid with similar properties. This amino acid position is highly conserved in available vertebrate species. In addition, the in silico prediction for this alteration is inconclusive. Since supporting evidence is limited at this time, the clinical significance of this alteration remains unclear.